The following is an entry in ClinVar:

ClinVar aggregate classification (germline): Uncertain significance. Review status: criteria provided, multiple submitters, no conflicts (2 of 4 stars). 2 submissions from 2 submitters: Uncertain significance (2). Last evaluated 2022-08-15.

Conditions:
Inborn genetic diseases. Identifiers: MedGen C0950123, MeSH D030342.

Submissions (2):

Labcorp Genetics (formerly Invitae), Labcorp
Classification: Uncertain significance. Last evaluated: 2022-08-15. Review status: criteria provided, single submitter. Criteria: Invitae Variant Classification Sherloc (09022015). Collection method: clinical testing. Allele origin: germline.
Comment: This variant is not present in population databases (gnomAD no frequency). This variant has not been reported in the literature in individuals affected with C1QA-related conditions. ClinVar contains an entry for this variant (Variation ID: 1462083). Algorithms developed to predict the effect of missense changes on protein structure and function (SIFT, PolyPhen-2, Align-GVGD) all suggest that this variant is likely to be tolerated. In summary, the available evidence is currently insufficient to determine the role of this variant in disease. Therefore, it has been classified as a Variant of Uncertain Significance. This sequence change replaces proline, which is neutral and non-polar, with alanine, which is neutral and non-polar, at codon 85 of the C1QA protein (p.Pro85Ala).

Ambry Genetics
Classification: Uncertain significance for Inborn genetic diseases. Last evaluated: 2022-02-03. Review status: criteria provided, single submitter. Criteria: Ambry Variant Classification Scheme 2023. Collection method: clinical testing. Allele origin: germline.

NM_015991.4(C1QA):c.253C>G (p.Pro85Ala)

Gene: C1QA (complement C1q A chain; plus strand). Cytogenetic location: 1p36.12.
Variant type: single nucleotide variant.
Coding change: c.253C>G on transcript NM_015991.4 (MANE Select); coding-DNA position 253, C replaced by G.
Protein change: p.Pro85Ala; replaces proline 85 with alanine.
Molecular consequence: missense variant.
Genome position (GRCh38, 1-based): chr1:22,638,922, C>G. VCF-style: chr1-22638922-C-G. GRCh37 (hg19) VCF-style: chr1-22965415-C-G.
Other names: c.253C>G (NM_015991.2); c.253C>G, p.Pro85Ala (NM_001347465.2, NM_001347466.2); short protein forms P85A.
Identifiers: ClinVar variation 1462083 (VCV001462083.9), dbSNP rs755011795, ClinGen allele CA338928327.